The following is an entry in ClinVar:

ClinVar aggregate classification (germline): Uncertain significance (1 of 4 stars; one submission).

Conditions:
Ulnar-mammary syndrome (UMS). Also called: PALLISTER ULNAR-MAMMARY SYNDROME; SCHINZEL SYNDROME; Ulnar-mammary syndrome of Pallister. Identifiers: Orphanet 3138, MedGen C1866994, MONDO:0008411, OMIM 181450.

Submission:

Labcorp Genetics (formerly Invitae), Labcorp
Classification: Uncertain significance for Ulnar-mammary syndrome. Last evaluated: 2023-07-12. Review status: criteria provided, single submitter. Criteria: Invitae Variant Classification Sherloc (09022015). Collection method: clinical testing. Allele origin: germline.
Comment: This variant is not present in population databases (gnomAD no frequency). This sequence change replaces alanine, which is neutral and non-polar, with aspartic acid, which is acidic and polar, at codon 659 of the TBX3 protein (p.Ala659Asp). An algorithm developed to predict the effect of missense changes on protein structure and function (PolyPhen-2) suggests that this variant is likely to be tolerated. This variant has not been reported in the literature in individuals affected with TBX3-related conditions. In summary, the available evidence is currently insufficient to determine the role of this variant in disease. Therefore, it has been classified as a Variant of Uncertain Significance.

NM_005996.4(TBX3):c.1976C>A (p.Ala659Asp)

Gene: TBX3 (T-box transcription factor 3; minus strand). Cytogenetic location: 12q24.21.
Variant type: single nucleotide variant.
Coding change: c.1976C>A on transcript NM_005996.4 (MANE Select); coding-DNA position 1976, C replaced by A.
Protein change: p.Ala659Asp; replaces alanine 659 with aspartic acid.
Molecular consequence: missense variant.
Genome position (GRCh38, 1-based): chr12:114,672,037, G>T on the plus strand (C>A on the coding strand, the complement: TBX3 is on the minus strand). VCF-style: chr12-114672037-G-T. GRCh37 (hg19) VCF-style: chr12-115109842-G-T.
Other names: c.2036C>A, p.Ala679Asp (NM_016569.4); short protein forms A659D, A679D.
Identifiers: ClinVar variation 2742380 (VCV002742380.3), dbSNP rs2499783332, ClinGen allele CA386867808.